The following is an entry in ClinVar:

ClinVar aggregate classification (germline): Uncertain significance (1 of 4 stars; one submission).

Submission:

Ambry Genetics
Classification: Uncertain significance. Last evaluated: 2023-12-07. Review status: criteria provided, single submitter. Criteria: Ambry Variant Classification Scheme 2023. Collection method: clinical testing. Allele origin: germline.
Comment: The p.E1692G variant (also known as c.5075A>G), located in coding exon 4 of the ALPK2 gene, results from an A to G substitution at nucleotide position 5075. The glutamic acid at codon 1692 is replaced by glycine, an amino acid with similar properties. This amino acid position is conserved. In addition, this alteration is predicted to be tolerated by in silico analysis. Since supporting evidence is limited at this time, the clinical significance of this alteration remains unclear.

NM_052947.4(ALPK2):c.5075A>G (p.Glu1692Gly)

Genes: ALPK2 (alpha kinase 2; minus strand), LOC130062577 (ATAC-STARR-seq lymphoblastoid active region 13389; plus strand). Cytogenetic location: 18q21.31.
Variant type: single nucleotide variant.
Coding change: c.5075A>G on transcript NM_052947.4 (MANE Select); coding-DNA position 5075, A replaced by G.
Protein change: p.Glu1692Gly; replaces glutamic acid 1692 with glycine.
Molecular consequence: missense variant.
Genome position (GRCh38, 1-based): chr18:58,535,112, T>C on the plus strand (A>G on the coding strand, the complement: ALPK2 is on the minus strand). VCF-style: chr18-58535112-T-C. GRCh37 (hg19) VCF-style: chr18-56202344-T-C.
Other names: short protein forms E1692G.
Identifiers: ClinVar variation 1745177 (VCV001745177.2), dbSNP rs2518873540, ClinGen allele CA402558372.